The following is an entry in ClinVar:

NM_004655.4(AXIN2):c.1608G>A (p.Thr536=)

Gene: AXIN2 (axin 2; minus strand). Cytogenetic location: 17q24.1.
Variant type: single nucleotide variant.
Coding change: c.1608G>A on transcript NM_004655.4 (MANE Select); coding-DNA position 1608, G replaced by A.
Protein change: p.Thr536=; no amino-acid change (threonine 536 retained).
Molecular consequence: synonymous variant.
Genome position (GRCh38, 1-based): chr17:65,537,428, C>T on the plus strand (G>A on the coding strand, the complement: AXIN2 is on the minus strand). VCF-style: chr17-65537428-C-T. GRCh37 (hg19) VCF-style: chr17-63533546-C-T.
Other names: c.1608G>A, p.Thr536= (NM_001363813.1); c.1608G>A (LRG_296t1).
Identifiers: ClinVar variation 533250 (VCV000533250.15), dbSNP rs1403070766, ClinGen allele CA501691184.

ClinVar aggregate classification (germline): Benign/Likely benign. Review status: criteria provided, multiple submitters, no conflicts (2 of 4 stars). 5 submissions from 5 submitters: Benign (1); Likely benign (4). Last evaluated 2025-12-15.

Conditions:
Hereditary cancer-predisposing syndrome. Also called: Hereditary neoplastic syndrome; Neoplastic Syndromes, Hereditary; Tumor predisposition; Hereditary Cancer Syndrome. Identifiers: Orphanet 140162, MedGen C0027672, MeSH D009386, MONDO:0015356.
Oligodontia-cancer predisposition syndrome. Also called: TOOTH AGENESIS-COLORECTAL CANCER SYNDROME. Identifiers: Orphanet 300576, MedGen C1837750, MONDO:0012075, OMIM 608615. Disease mechanism: loss of function.

Allele frequency attached by ClinVar (database versions not stated): gnomAD exomes below 0.00001; TOPMed below 0.00001.
gnomAD v4.1: 1 of 1,614,042 alleles (0.000062%); highest among the groups gnomAD compares: Non-Finnish European, 0.000085%; no homozygotes.

Submissions (5):

Labcorp Genetics (formerly Invitae), Labcorp
Classification: Likely benign for Oligodontia-cancer predisposition syndrome. Last evaluated: 2025-12-15. Review status: criteria provided, single submitter. Criteria: Invitae Variant Classification Sherloc (09022015). Collection method: clinical testing. Allele origin: germline.

Myriad Genetics, Inc.
Classification: Benign for Oligodontia-cancer predisposition syndrome. Last evaluated: 2024-07-05. Review status: criteria provided, single submitter. Criteria: Myriad Autosomal Dominant, Autosomal Recessive and X-Linked Classification Criteria (2023). Collection method: clinical testing. Allele origin: unknown.
Comment: This variant is considered benign. This variant is a silent/synonymous amino acid change and it is not expected to impact splicing.

Women's Health and Genetics/Laboratory Corporation of America, LabCorp
Classification: Likely benign. Last evaluated: 2023-06-22. Review status: criteria provided, single submitter. Criteria: LabCorp Variant Classification Summary - May 2015. Collection method: clinical testing. Allele origin: germline.

Ambry Genetics
Classification: Likely benign for Hereditary cancer-predisposing syndrome. Last evaluated: 2022-02-03. Review status: criteria provided, single submitter. Criteria: Ambry Variant Classification Scheme 2023. Collection method: clinical testing. Allele origin: germline.

Sema4
Classification: Likely benign for Hereditary cancer-predisposing syndrome. Last evaluated: 2021-09-18. Review status: criteria provided, single submitter. Criteria: Sema4 Curation Guidelines. Collection method: curation. Allele origin: germline.